The following is an entry in ClinVar:

ClinVar aggregate classification (germline): Likely pathogenic (1 of 4 stars; one submission).

Conditions:
DOCK8-related disorder. Also called: DOCK8-related condition.

Submission:

PreventionGenetics, part of Exact Sciences
Classification: Likely pathogenic for DOCK8-related condition. Last evaluated: 2023-05-19. Review status: criteria provided, single submitter. Criteria: ACMG Guidelines, 2015. Collection method: clinical testing. Allele origin: germline.
Comment: The DOCK8 c.1071_1072delGA variant is predicted to result in a frameshift and premature protein termination (p.Glu357Aspfs*15). To our knowledge, this variant has not been reported in the literature or in a large population database, indicating this variant is rare. Frameshift variants in DOCK8 are expected to be pathogenic. This variant is interpreted as likely pathogenic.

NM_203447.4(DOCK8):c.1071_1072del (p.Glu357fs)

Gene: DOCK8 (dedicator of cytokinesis 8; plus strand). Cytogenetic location: 9p24.3.
Variant type: Microsatellite.
Coding change: c.1071_1072del on transcript NM_203447.4 (MANE Select); coding-DNA positions 1071 to 1072, 2 bases deleted (GA; older notation c.1071_1072delGA).
Protein change: p.Glu357fs; shifts the reading frame from glutamic acid 357.
Molecular consequence: frameshift variant.
Genome position (GRCh38, 1-based): chr9:332,424-332,425, GA deleted; deleting any 2 consecutive bases within chr9:332,420-332,425 gives the same sequence; the c. name uses the placement nearest the transcript's 3' end. VCF-style (leftmost placement, unchanged base first): chr9-332419-GGA-G. GRCh37 (hg19) VCF-style: chr9-332419-GGA-G.
Other names: c.867_868del, p.Glu289fs (NM_001190458.2, NM_001193536.2); c.1067_1068GA[2], p.Glu357Aspfs (NM_203447.3); c.1071_1072delGA (NM_203447.3); short protein forms E289fs, E357fs.
Identifiers: ClinVar variation 2632486 (VCV002632486.1), dbSNP rs2537951645, ClinGen allele CA2695201538.